The following is an entry in ClinVar:

NM_001303256.3(MORC2):c.975G>A (p.Thr325=)

Gene: MORC2 (MORC family CW-type zinc finger 2; minus strand). Cytogenetic location: 22q12.2.
Variant type: single nucleotide variant.
Coding change: c.975G>A on transcript NM_001303256.3 (MANE Select); coding-DNA position 975, G replaced by A.
Protein change: p.Thr325=; no amino-acid change (threonine 325 retained).
Molecular consequence: synonymous variant.
Genome position (GRCh38, 1-based): chr22:30,939,971, C>T on the plus strand (G>A on the coding strand, the complement: MORC2 is on the minus strand). VCF-style: chr22-30939971-C-T. GRCh37 (hg19) VCF-style: chr22-31335958-C-T.
Other names: p.Thr325=; c.975G>A, p.Thr325= (NM_001303257.2); c.789G>A, p.Thr263= (NM_014941.3).
Identifiers: ClinVar variation 773990 (VCV000773990.35), dbSNP rs201903402, ClinGen allele CA10187088.

ClinVar aggregate classification (germline): Likely benign. Review status: criteria provided, multiple submitters, no conflicts (2 of 4 stars). 4 submissions from 4 submitters: Likely benign (4). Last evaluated 2025-12-16.

Conditions:
MORC2-related disorder. Also called: MORC2-related condition.
Charcot-Marie-Tooth disease axonal type 2Z. Also called: CHARCOT-MARIE-TOOTH DISEASE, AXONAL, AUTOSOMAL DOMINANT, TYPE 2Z; CHARCOT-MARIE-TOOTH NEUROPATHY, TYPE 2Z. Identifiers: Orphanet 466768, MedGen C5569025, MONDO:0014736, OMIM 616688.

Allele frequency attached by ClinVar (database versions not stated): TOPMed 0.00002; gnomAD 0.00003 and 0.00004; gnomAD exomes 0.00005 and 0.00006; ExAC 0.00008; 1000 Genomes Project 0.00040; 1000 Genomes Project 30x 0.00047.
gnomAD v4.1: 80 of 1,613,834 alleles (0.005%); highest among the groups gnomAD compares: East Asian, 0.0089%; no homozygotes.

Submissions (4):

Labcorp Genetics (formerly Invitae), Labcorp
Classification: Likely benign for Charcot-Marie-Tooth disease axonal type 2Z. Last evaluated: 2025-12-16. Review status: criteria provided, single submitter. Criteria: Invitae Variant Classification Sherloc (09022015). Collection method: clinical testing. Allele origin: germline.

PreventionGenetics, part of Exact Sciences
Classification: Likely benign for MORC2-related condition. Last evaluated: 2025-10-13. Review status: criteria provided, single submitter. Criteria: ACMG Guidelines, 2015. Collection method: clinical testing. Allele origin: germline.
Comment: This variant is classified as likely benign based on ACMG/AMP sequence variant interpretation guidelines (Richards et al. 2015 PMID: 25741868, with internal and published modifications).

Mayo Clinic Laboratories, Mayo Clinic
Classification: Likely benign. Last evaluated: 2025-03-17. Review status: criteria provided, single submitter. Criteria: ACMG Guidelines, 2015. Collection method: clinical testing. Allele origin: germline. Observed: 1 variant allele.
Comment: BS2, BP4, BP7

CeGaT Center for Human Genetics Tuebingen
Classification: Likely benign. Last evaluated: 2024-02-01. Review status: criteria provided, single submitter. Criteria: CeGaT Center For Human Genetics Tuebingen Variant Classification Criteria Version 2. Collection method: clinical testing. Allele origin: germline. Affected: yes. Observed: 2 variant alleles.
Comment: MORC2: BP4, BP7